The following is an entry in ClinVar:

ClinVar aggregate classification (germline): Uncertain significance (1 of 4 stars; one submission).

Conditions:
ERCC2-related disorder. Also called: ERCC2-related conditions; ERCC2-related condition; ERCC2-related disorders. Identifiers: MedGen CN239291.

Submission:

Myriad Genetics, Inc.
Classification: Uncertain significance for ERCC2-related disorder. Last evaluated: 2026-06-30. Review status: criteria provided, single submitter. Criteria: Myriad Autosomal Dominant, Autosomal Recessive and X-Linked Classification Criteria (2023). Collection method: clinical testing. Allele origin: unknown.
Comment: NM_000400.3(ERCC2):c.2148_2155dup8(Y719Wfs*29) is a frameshift variant classified as a variant of uncertain significance in the context of ERCC2-related disorders. Y719Wfs*29 has not been observed in cases with relevant disease. Relevant functional assessments of this variant are not available in the literature. Y719Wfs*29 has not been observed in referenced population frequency databases. In summary, there is insufficient evidence to classify NM_000400.3(ERCC2):c.2148_2155dup8(Y719Wfs*29) as pathogenic or benign. Please note: this variant was assessed in the context of healthy population screening.

NM_000400.4(ERCC2):c.2148_2155dup (p.Tyr719fs)

Gene: ERCC2 (ERCC excision repair 2, TFIIH core complex helicase subunit; minus strand). Cytogenetic location: 19q13.32.
Variant type: Duplication.
Coding change: c.2148_2155dup on transcript NM_000400.4 (MANE Select); coding-DNA positions 2148 to 2155, 8 bases duplicated (GGCCAAGT; older notation c.2148_2155dupGGCCAAGT).
Protein change: p.Tyr719fs; shifts the reading frame from tyrosine 719.
Molecular consequence: frameshift variant. On other transcripts: non-coding transcript variant (3).
Genome position (GRCh38, 1-based): chr19:45,352,244-45,352,251, ACTTGGCC duplicated on the plus strand (GGCCAAGT on the coding strand, the reverse complement: ERCC2 is on the minus strand); duplicating any 8 consecutive bases within chr19:45,352,244-45,352,253 gives the same sequence; the c. name uses the placement nearest the transcript's 3' end. VCF-style (leftmost placement, unchanged base first): chr19-45352243-T-TACTTGGCC. GRCh37 (hg19) VCF-style: chr19-45855501-T-TACTTGGCC.
Other names: c.2076_2083dup, p.Tyr695fs (NM_001440355.1); c.2070_2077dup, p.Tyr693fs (NM_001440356.1); c.2025_2032dup, p.Tyr678fs (NM_001440357.1); short protein forms Y695fs, Y719fs, Y678fs, Y693fs.
Identifiers: ClinVar variation 5004762 (VCV005004762.1).